The following is an entry in ClinVar:

ClinVar aggregate classification (germline): Likely benign (0 of 4 stars; one submission).

Conditions:
PLXNA2-related disorder. Also called: PLXNA2-related condition.

Submission:

PreventionGenetics, part of Exact Sciences
Classification: Likely benign for PLXNA2-related condition. Last evaluated: 2024-01-24. Review status: no assertion criteria provided. Collection method: clinical testing. Allele origin: germline.
Comment: This variant is classified as likely benign based on ACMG/AMP sequence variant interpretation guidelines (Richards et al. 2015 PMID: 25741868, with internal and published modifications).

NM_025179.4(PLXNA2):c.2694G>A (p.Gly898=)

Gene: PLXNA2 (plexin A2; minus strand). Cytogenetic location: 1q32.2.
Variant type: single nucleotide variant.
Coding change: c.2694G>A on transcript NM_025179.4 (MANE Select); coding-DNA position 2694, G replaced by A.
Protein change: p.Gly898=; no amino-acid change (glycine 898 retained).
Molecular consequence: synonymous variant.
Genome position (GRCh38, 1-based): chr1:208,060,730, C>T on the plus strand (G>A on the coding strand, the complement: PLXNA2 is on the minus strand). VCF-style: chr1-208060730-C-T. GRCh37 (hg19) VCF-style: chr1-208234075-C-T.
Identifiers: ClinVar variation 3349377 (VCV003349377.1).